The following is an entry in ClinVar:

ClinVar aggregate classification (germline): Uncertain significance. Review status: criteria provided, multiple submitters, no conflicts (2 of 4 stars). 2 submissions from 2 submitters: Uncertain significance (2). Last evaluated 2025-12-07.

Conditions:
Inborn genetic diseases. Identifiers: MedGen C0950123, MeSH D030342.

gnomAD v4.1: 2 of 1,612,076 alleles (0.00012%); highest among the groups gnomAD compares: Non-Finnish European, 0.00017%; no homozygotes.

Submissions (2):

Ambry Genetics
Classification: Uncertain significance for Inborn genetic diseases. Last evaluated: 2025-12-07. Review status: criteria provided, single submitter. Criteria: Ambry Variant Classification Scheme 2023. Collection method: clinical testing. Allele origin: germline.
Comment: The p.Y563C variant (also known as c.1688A>G), located in coding exon 19 of the RTEL1 gene, results from an A to G substitution at nucleotide position 1688. The tyrosine at codon 563 is replaced by cysteine, an amino acid with highly dissimilar properties. This amino acid position is conserved. In addition, this alteration is predicted to be deleterious by in silico analysis. Based on the available evidence, the clinical significance of this variant remains unclear.

Blueprint Genetics
Classification: Uncertain significance. Last evaluated: 2024-07-11. Review status: criteria provided, single submitter. Criteria: ACMG Guidelines, 2015. Collection method: clinical testing. Allele origin: germline.

NM_001283009.2(RTEL1):c.1688A>G (p.Tyr563Cys)

Genes: RTEL1 (regulator of telomere elongation helicase 1; plus strand), RTEL1-TNFRSF6B (RTEL1-TNFRSF6B readthrough (NMD candidate); plus strand). Cytogenetic location: 20q13.33.
Variant type: single nucleotide variant.
Coding change: c.1688A>G on transcript NM_001283009.2 (MANE Select); coding-DNA position 1688, A replaced by G.
Protein change: p.Tyr563Cys; replaces tyrosine 563 with cysteine.
Molecular consequence: missense variant. On other transcripts: non-coding transcript variant (1).
Genome position (GRCh38, 1-based): chr20:63,688,352, A>G. VCF-style: chr20-63688352-A-G. GRCh37 (hg19) VCF-style: chr20-62319705-A-G.
Other names: c.1019A>G, p.Tyr340Cys (NM_001283010.1); c.1688A>G, p.Tyr563Cys (NM_016434.4); c.1760A>G, p.Tyr587Cys (NM_032957.5); short protein forms Y587C, Y340C, Y563C.
Identifiers: ClinVar variation 4629646 (VCV004629646.2).